The following is an entry in ClinVar:

ClinVar aggregate classification (germline): Uncertain significance (1 of 4 stars; one submission).

Conditions:
Neurofibromatosis, type 1 (NF1). Also called: VON RECKLINGHAUSEN DISEASE; Neurofibromatosis, type I; NEUROFIBROMATOSIS, TYPE I, SOMATIC; Peripheral type neurofibromatosis. Identifiers: Orphanet 636, MedGen C0027831, MONDO:0018975, OMIM 162200. Disease mechanism: loss of function.

Submission:

Labcorp Genetics (formerly Invitae), Labcorp
Classification: Uncertain significance for Neurofibromatosis, type 1. Last evaluated: 2025-07-06. Review status: criteria provided, single submitter. Criteria: Invitae Variant Classification Sherloc (09022015). Collection method: clinical testing. Allele origin: germline.
Comment: This sequence change replaces arginine, which is basic and polar, with proline, which is neutral and non-polar, at codon 1674 of the NF1 protein (p.Arg1674Pro). This variant is not present in population databases (gnomAD no frequency). This variant has not been reported in the literature in individuals affected with NF1-related conditions. Invitae Evidence Modeling of protein sequence and biophysical properties (such as structural, functional, and spatial information, amino acid conservation, physicochemical variation, residue mobility, and thermodynamic stability) indicates that this missense variant is expected to disrupt NF1 protein function with a positive predictive value of 95%. In summary, the available evidence is currently insufficient to determine the role of this variant in disease. Therefore, it has been classified as a Variant of Uncertain Significance.

NM_001042492.3(NF1):c.5084G>C (p.Arg1695Pro)

Gene: NF1 (neurofibromin 1; plus strand). Cytogenetic location: 17q11.2.
Variant type: single nucleotide variant.
Coding change: c.5084G>C on transcript NM_001042492.3 (MANE Select); coding-DNA position 5084, G replaced by C.
Protein change: p.Arg1695Pro; replaces arginine 1695 with proline.
Molecular consequence: missense variant.
Genome position (GRCh38, 1-based): chr17:31,326,068, G>C. VCF-style: chr17-31326068-G-C. GRCh37 (hg19) VCF-style: chr17-29653086-G-C.
Other names: c.5021G>C, p.Arg1674Pro (NM_000267.4); short protein forms R1674P, R1695P.
Identifiers: ClinVar variation 4800775 (VCV004800775.1).